The following is an entry in ClinVar:

ClinVar aggregate classification (germline): Conflicting classifications of pathogenicity. Review status: criteria provided, conflicting classifications (1 of 4 stars). 5 submissions from 5 submitters: Uncertain significance (4); Likely benign (1). Last evaluated 2025-05-06.

Conditions:
Hereditary breast ovarian cancer syndrome. Also called: Hereditary breast and ovarian cancer; Hereditary breast and/or ovarian cancer syndrome; Hereditary breast and ovarian cancer syndrome; Hereditary breast and ovarian cancer syndrome (HBOC); Breast and ovarian cancer; BRCA1- and BRCA2-Associated Hereditary Breast and Ovarian Cancer. Identifiers: Orphanet 145, MedGen C0677776, MeSH D061325, MONDO:0003582. Disease mechanism: loss of function.
Hereditary cancer-predisposing syndrome. Also called: Hereditary neoplastic syndrome; Tumor predisposition; Neoplastic Syndromes, Hereditary; Hereditary Cancer Syndrome. Identifiers: Orphanet 140162, MedGen C0027672, MeSH D009386, MONDO:0015356.

Allele frequency attached by ClinVar (database versions not stated): gnomAD 0.00001; TOPMed 0.00001.
gnomAD v4.1: 1 of 1,611,876 alleles (0.000062%); highest among the groups gnomAD compares: African/African-American, 0.0013%; no homozygotes.

Submissions (5):

Labcorp Genetics (formerly Invitae), Labcorp
Classification: Uncertain significance for Hereditary breast ovarian cancer syndrome. Last evaluated: 2025-05-06. Review status: criteria provided, single submitter. Criteria: Invitae Variant Classification Sherloc (09022015). Collection method: clinical testing. Allele origin: germline.
Comment: This sequence change replaces lysine, which is basic and polar, with arginine, which is basic and polar, at codon 972 of the BRCA2 protein (p.Lys972Arg). This variant is not present in population databases (gnomAD no frequency). This variant has not been reported in the literature in individuals affected with BRCA2-related conditions. ClinVar contains an entry for this variant (Variation ID: 421066). Invitae Evidence Modeling of protein sequence and biophysical properties (such as structural, functional, and spatial information, amino acid conservation, physicochemical variation, residue mobility, and thermodynamic stability) indicates that this missense variant is not expected to disrupt BRCA2 protein function with a negative predictive value of 95%. In summary, the available evidence is currently insufficient to determine the role of this variant in disease. Therefore, it has been classified as a Variant of Uncertain Significance.

Ambry Genetics
Classification: Uncertain significance for Hereditary cancer-predisposing syndrome. Last evaluated: 2024-04-20. Review status: criteria provided, single submitter. Criteria: Ambry Variant Classification Scheme 2023. Collection method: clinical testing. Allele origin: germline.
Comment: The p.K972R variant (also known as c.2915A>G), located in coding exon 10 of the BRCA2 gene, results from an A to G substitution at nucleotide position 2915. The lysine at codon 972 is replaced by arginine, an amino acid with highly similar properties. This amino acid position is not well conserved in available vertebrate species. In addition, this alteration is predicted to be tolerated by in silico analysis. Since supporting evidence is limited at this time, the clinical significance of this alteration remains unclear.

University of Washington Department of Laboratory Medicine, University of Washington
Classification: Likely benign for Hereditary cancer-predisposing syndrome. Last evaluated: 2023-03-23. Review status: criteria provided, single submitter. Criteria: Dines et al. (Genet Med. 2020). Collection method: curation. Allele origin: germline.
Comment: Missense variant in a coldspot region where missense variants are very unlikely to be pathogenic (PMID:31911673).

BRCA2 exon 11 coldspot. Reclassification based on statistical prior probability.

Color Diagnostics, LLC DBA Color Health
Classification: Uncertain significance for Hereditary cancer-predisposing syndrome. Last evaluated: 2021-04-21. Review status: criteria provided, single submitter. Criteria: ACMG Guidelines, 2015. Collection method: clinical testing. Allele origin: germline.
Comment: This missense variant replaces lysine with arginine at codon 972 of the BRCA2 protein. Computational prediction suggests that this variant may not impact protein structure and function (internally defined REVEL score threshold <= 0.5, PMID: 27666373). To our knowledge, functional studies have not been reported for this variant. This variant has not been reported in individuals affected with hereditary cancer in the literature. This variant has not been identified in the general population by the Genome Aggregation Database (gnomAD). The available evidence is insufficient to determine the role of this variant in disease conclusively. Therefore, this variant is classified as a Variant of Uncertain Significance.

GeneDx
Classification: Uncertain significance. Last evaluated: 2019-08-06. Review status: criteria provided, single submitter. Criteria: GeneDx Variant Classification Process June 2021. Collection method: clinical testing. Allele origin: germline. Affected: yes.
Comment: Not observed in large population cohorts (Lek et al., 2016); In silico analysis, which includes protein predictors and evolutionary conservation, supports that this variant does not alter protein structure/function

NM_000059.4(BRCA2):c.2915A>G (p.Lys972Arg)

Gene: BRCA2 (BRCA2 DNA repair associated; plus strand). Cytogenetic location: 13q13.1.
Variant type: single nucleotide variant.
Coding change: c.2915A>G on transcript NM_000059.4 (MANE Select); coding-DNA position 2915, A replaced by G.
Protein change: p.Lys972Arg; replaces lysine 972 with arginine.
Molecular consequence: missense variant.
Genome position (GRCh38, 1-based): chr13:32,337,270, A>G. VCF-style: chr13-32337270-A-G. GRCh37 (hg19) VCF-style: chr13-32911407-A-G.
Other names: short protein forms K972R.
Identifiers: ClinVar variation 421066 (VCV000421066.19), dbSNP rs1064794885, ClinGen allele CA16619678.